The following is an entry in ClinVar:

NM_001144758.3(PHLDB1):c.1396C>T (p.Arg466Trp)

Gene: PHLDB1 (pleckstrin homology like domain family B member 1; plus strand). Cytogenetic location: 11q23.3.
Variant type: single nucleotide variant.
Coding change: c.1396C>T on transcript NM_001144758.3 (MANE Select); coding-DNA position 1396, C replaced by T.
Protein change: p.Arg466Trp; replaces arginine 466 with tryptophan.
Molecular consequence: missense variant.
Genome position (GRCh38, 1-based): chr11:118,628,219, C>T. VCF-style: chr11-118628219-C-T. GRCh37 (hg19) VCF-style: chr11-118498935-C-T.
Other names: c.1396C>T, p.Arg466Trp (NM_001144759.3, NM_015157.4); short protein forms R466W.
Identifiers: ClinVar variation 4534664 (VCV004534664.6).

ClinVar aggregate classification (germline): Uncertain significance (1 of 4 stars; one submission).

gnomAD v4.1: 11 of 1,613,970 alleles (0.00068%); highest among the groups gnomAD compares: Middle Eastern, 0.033%; no homozygotes.

Submission:

CeGaT Center for Human Genetics Tuebingen
Classification: Uncertain significance. Last evaluated: 2025-11-01. Review status: criteria provided, single submitter. Criteria: CeGaT Center For Human Genetics Tuebingen Variant Classification Criteria Version 2. Collection method: clinical testing. Allele origin: germline. Affected: yes. Observed: 1 variant allele.
Comment: PHLDB1: PM2